The following is an entry in ClinVar:

NM_000088.4(COL1A1):c.3871_3881del (p.Cys1291fs)

Gene: COL1A1 (collagen type I alpha 1 chain; minus strand). Cytogenetic location: 17q21.33.
Variant type: Deletion.
Coding change: c.3871_3881del on transcript NM_000088.4 (MANE Select); coding-DNA positions 3871 to 3881, 11 bases deleted (TGCAACATGGA).
Protein change: p.Cys1291fs; shifts the reading frame from cysteine 1291.
Molecular consequence: frameshift variant.
Genome position (GRCh38, 1-based): chr17:50,186,441-50,186,451, TCCATGTTGCA deleted on the plus strand (TGCAACATGGA on the coding strand, the reverse complement: COL1A1 is on the minus strand). VCF-style (leftmost placement, unchanged base first): chr17-50186440-CTCCATGTTGCA-C. GRCh37 (hg19) VCF-style: chr17-48263801-CTCCATGTTGCA-C.
Other names: short protein forms C1291fs.
Identifiers: ClinVar variation 2104762 (VCV002104762.4), dbSNP rs2509160982, ClinGen allele CA2580094178.
Genomic context (GRCh38, chr17:50,186,440, plus strand): 5'-GATGTACCAGTTCTTCTGGGCCACACTGGGCTGAGTGGGGTACACGCAGGTCTCACCAGT[CTCCATGTTGCA>C]GAAGACTTTGATGGCATCCAGGTTGCAGCCTTGGTTGGGGTCAATCCAGTACTCTCCTGT-3'

ClinVar aggregate classification (germline): Pathogenic (1 of 4 stars; one submission).

Conditions:
Osteogenesis imperfecta type I (OI1). Also called: Lobstein disease; OI, TYPE I; OSTEOGENESIS IMPERFECTA TARDA; OSTEOGENESIS IMPERFECTA WITH BLUE SCLERAE; Osteogenesis imperfecta type 1; Classic Non-deforming Osteogenesis Imperfecta with Blue Sclerae. Identifiers: Orphanet 216796, Orphanet 666, MedGen C0023931, MONDO:0008146, OMIM 166200. Disease mechanism: loss of function.

Submission:

Labcorp Genetics (formerly Invitae), Labcorp
Classification: Pathogenic for Osteogenesis imperfecta type I. Last evaluated: 2022-02-28. Review status: criteria provided, single submitter. Criteria: Invitae Variant Classification Sherloc (09022015). Collection method: clinical testing. Allele origin: germline.
Comment: For these reasons, this variant has been classified as Pathogenic. This variant has not been reported in the literature in individuals affected with COL1A1-related conditions. This variant is not present in population databases (gnomAD no frequency). This sequence change creates a premature translational stop signal (p.Cys1291Aspfs*3) in the COL1A1 gene. It is expected to result in an absent or disrupted protein product. Loss-of-function variants in COL1A1 are known to be pathogenic (PMID: 7942841, 9295084, 9443882).

Literature cited by the submitters: PubMed 7942841; PubMed 9295084; PubMed 9443882.